The following is an entry in ClinVar:

NM_182961.4(SYNE1):c.14617G>A (p.Gly4873Ser)

Gene: SYNE1 (spectrin repeat containing nuclear envelope protein 1; minus strand). Cytogenetic location: 6q25.2.
Variant type: single nucleotide variant.
Coding change: c.14617G>A on transcript NM_182961.4 (MANE Select); coding-DNA position 14617, G replaced by A.
Protein change: p.Gly4873Ser; replaces glycine 4873 with serine.
Molecular consequence: missense variant.
Genome position (GRCh38, 1-based): chr6:152,330,068, C>T on the plus strand (G>A on the coding strand, the complement: SYNE1 is on the minus strand). VCF-style: chr6-152330068-C-T. GRCh37 (hg19) VCF-style: chr6-152651203-C-T.
Other names: c.14404G>A, p.Gly4802Ser (NM_033071.5); short protein forms G4802S, G4873S.
Identifiers: ClinVar variation 1444194 (VCV001444194.8), dbSNP rs2153969748, ClinGen allele CA366096997.

ClinVar aggregate classification (germline): Uncertain significance (1 of 4 stars; one submission).

Conditions:
Emery-Dreifuss muscular dystrophy 4, autosomal dominant (EDMD4). Also called: EMERY-DREIFUSS MUSCULAR DYSTROPHY 4 WITH VARIABLE FEATURES. Identifiers: Orphanet 261, MedGen C2751807, MONDO:0013071, OMIM 612998.
Autosomal recessive ataxia, Beauce type. Also called: Spinocerebellar ataxia, autosomal recessive 8; ATAXIA, RECESSIVE, OF BEAUCE; SYNE1 Deficiency; SYNE1-Related Autosomal Recessive Cerebellar Ataxia. Identifiers: Orphanet 88644, MedGen C1853116, MONDO:0012549, OMIM 610743.

gnomAD v4.1: 2 of 1,614,140 alleles (0.00012%); highest among the groups gnomAD compares: Non-Finnish European, 0.00017%; no homozygotes.

Submission:

Labcorp Genetics (formerly Invitae), Labcorp
Classification: Uncertain significance for Emery-Dreifuss muscular dystrophy 4, autosomal dominant; Autosomal recessive ataxia, Beauce type. Last evaluated: 2022-03-22. Review status: criteria provided, single submitter. Criteria: Invitae Variant Classification Sherloc (09022015). Collection method: clinical testing. Allele origin: germline.
Comment: In summary, the available evidence is currently insufficient to determine the role of this variant in disease. Therefore, it has been classified as a Variant of Uncertain Significance. Algorithms developed to predict the effect of sequence changes on RNA splicing suggest that this variant may create or strengthen a splice site. Algorithms developed to predict the effect of missense changes on protein structure and function output the following: SIFT: "Tolerated"; PolyPhen-2: "Benign"; Align-GVGD: "Class C0". The serine amino acid residue is found in multiple mammalian species, which suggests that this missense change does not adversely affect protein function. This variant has not been reported in the literature in individuals affected with SYNE1-related conditions. This variant is not present in population databases (gnomAD no frequency). This sequence change replaces glycine, which is neutral and non-polar, with serine, which is neutral and polar, at codon 4802 of the SYNE1 protein (p.Gly4802Ser).